The following is an entry in ClinVar:

ClinVar aggregate classification (germline): Uncertain significance (1 of 4 stars; one submission).

Conditions:
Tuberous sclerosis 2 (TSC2). Identifiers: Orphanet 805, MedGen C1860707, MONDO:0013199, OMIM 613254.

Allele frequency attached by ClinVar (database versions not stated): TOPMed below 0.00001; gnomAD 0.00001.
gnomAD v4.1: 1 of 1,614,062 alleles (0.000062%); highest among the groups gnomAD compares: Non-Finnish European, 0.000085%; no homozygotes.

Submission:

Labcorp Genetics (formerly Invitae), Labcorp
Classification: Uncertain significance for Tuberous sclerosis 2. Last evaluated: 2024-04-01. Review status: criteria provided, single submitter. Criteria: Invitae Variant Classification Sherloc (09022015). Collection method: clinical testing. Allele origin: germline.
Comment: This sequence change replaces alanine, which is neutral and non-polar, with threonine, which is neutral and polar, at codon 161 of the TSC2 protein (p.Ala161Thr). This variant also falls at the last nucleotide of exon 5, which is part of the consensus splice site for this exon. This variant is not present in population databases (gnomAD no frequency). This variant has not been reported in the literature in individuals affected with TSC2-related conditions. ClinVar contains an entry for this variant (Variation ID: 1492917). An algorithm developed to predict the effect of missense changes on protein structure and function (PolyPhen-2) suggests that this variant is likely to be disruptive. Variants that disrupt the consensus splice site are a relatively common cause of aberrant splicing (PMID: 17576681, 9536098). Algorithms developed to predict the effect of sequence changes on RNA splicing suggest that this variant may disrupt the consensus splice site. In summary, the available evidence is currently insufficient to determine the role of this variant in disease. Therefore, it has been classified as a Variant of Uncertain Significance.

Literature cited by the submitters: PubMed 17576681; PubMed 9536098.

NM_000548.5(TSC2):c.481G>A (p.Ala161Thr)

Gene: TSC2 (TSC complex subunit 2; plus strand). Cytogenetic location: 16p13.3.
Variant type: single nucleotide variant.
Coding change: c.481G>A on transcript NM_000548.5 (MANE Select); coding-DNA position 481, G replaced by A.
Protein change: p.Ala161Thr; replaces alanine 161 with threonine.
Molecular consequence: missense variant. On other transcripts: intron variant (1).
Genome position (GRCh38, 1-based): chr16:2,054,440, G>A. VCF-style: chr16-2054440-G-A. GRCh37 (hg19) VCF-style: chr16-2104441-G-A.
Other names: c.481G>A, p.Ala161Thr (NM_001077183.3, NM_001114382.3, NM_001363528.2 and 3 more transcripts); c.370G>A, p.Ala124Thr (NM_001318827.2); c.334G>A, p.Ala112Thr (NM_001318829.2); c.514G>A, p.Ala172Thr (NM_001318832.2); c.-1-1756G>A (NM_001318831.2); short protein forms A172T, A161T, A124T, A112T.
Identifiers: ClinVar variation 1492917 (VCV001492917.6), dbSNP rs1157976261, ClinGen allele CA394308600.